The following is an entry in ClinVar:

ClinVar aggregate classification (germline): Uncertain significance (1 of 4 stars; one submission).

Allele frequency attached by ClinVar (database versions not stated): gnomAD 0.00001.

Submission:

Ambry Genetics
Classification: Uncertain significance. Last evaluated: 2024-11-01. Review status: criteria provided, single submitter. Criteria: Ambry Variant Classification Scheme 2023. Collection method: clinical testing. Allele origin: germline.
Comment: The p.G98V variant (also known as c.293G>T), located in coding exon 5 of the FAM175A gene, results from a G to T substitution at nucleotide position 293. The glycine at codon 98 is replaced by valine, an amino acid with dissimilar properties. This amino acid position is conserved. In addition, this alteration is predicted to be deleterious by in silico analysis. Since supporting evidence is limited at this time, the clinical significance of this alteration remains unclear.

NM_139076.3(ABRAXAS1):c.293G>T (p.Gly98Val)

Gene: ABRAXAS1 (abraxas 1, BRCA1 A complex subunit; minus strand). Cytogenetic location: 4q21.23.
Variant type: single nucleotide variant.
Coding change: c.293G>T on transcript NM_139076.3 (MANE Select); coding-DNA position 293, G replaced by T.
Protein change: p.Gly98Val; replaces glycine 98 with valine.
Molecular consequence: missense variant. On other transcripts: 5 prime UTR variant (1).
Genome position (GRCh38, 1-based): chr4:83,470,386, C>A on the plus strand (G>T on the coding strand, the complement: ABRAXAS1 is on the minus strand). VCF-style: chr4-83470386-C-A. GRCh37 (hg19) VCF-style: chr4-84391539-C-A.
Other names: c.-35G>T (NM_001345962.2); short protein forms G98V.
Identifiers: ClinVar variation 1800335 (VCV001800335.3), dbSNP rs1722535190, ClinGen allele CA357260317.